The following is an entry in ClinVar:

NM_002457.5(MUC2):c.11613A>T (p.Pro3871=)

Gene: MUC2 (mucin 2, oligomeric mucus/gel-forming; plus strand). Cytogenetic location: 11p15.5.
Variant type: single nucleotide variant.
Coding change: c.11613A>T on transcript NM_002457.5 (MANE Select); coding-DNA position 11613, A replaced by T.
Protein change: p.Pro3871=; no amino-acid change (proline 3871 retained).
Molecular consequence: synonymous variant.
Genome position (GRCh38, 1-based): chr11:1,098,947, A>T. VCF-style: chr11-1098947-A-T. GRCh37 (hg19) VCF-style: chr11-1092855-A-T.
Identifiers: ClinVar variation 4821649 (VCV004821649.4).

ClinVar aggregate classification (germline): Likely benign (1 of 4 stars; one submission).

Submission:

CeGaT Center for Human Genetics Tuebingen
Classification: Likely benign. Last evaluated: 2026-01-01. Review status: criteria provided, single submitter. Criteria: CeGaT Center For Human Genetics Tuebingen Variant Classification Criteria Version 2. Collection method: clinical testing. Allele origin: germline. Affected: yes. Observed: 1 variant allele.
Comment: MUC2: PM2:Supporting, BP4, BP7